The following is an entry in ClinVar:

ClinVar aggregate classification (germline): Likely benign (1 of 4 stars; one submission).

Allele frequency attached by ClinVar (database versions not stated): 1000 Genomes Project 0.00140; 1000 Genomes Project 30x 0.00141; gnomAD 0.00203; ESP Exome Variant Server 0.00209; TOPMed 0.00245.
gnomAD v4.1: 1,336 of 1,528,804 alleles (0.087%); highest among the groups gnomAD compares: African/African-American, 0.47%; 119 homozygotes.

Submission:

CeGaT Center for Human Genetics Tuebingen
Classification: Likely benign. Last evaluated: 2022-12-01. Review status: criteria provided, single submitter. Criteria: CeGaT Center For Human Genetics Tuebingen Variant Classification Criteria Version 2. Collection method: clinical testing. Allele origin: germline. Affected: yes. Observed: 1 variant allele.
Comment: GGTLC2: BS2

NM_199127.3(GGTLC2):c.103G>T (p.Gly35Trp)

Genes: GGTLC2 (gamma-glutamyltransferase light chain 2; plus strand), IGL (immunoglobulin lambda locus; plus strand). Cytogenetic location: 22q11.22.
Variant type: single nucleotide variant.
Coding change: c.103G>T on transcript NM_199127.3 (MANE Select); coding-DNA position 103, G replaced by T.
Protein change: p.Gly35Trp; replaces glycine 35 with tryptophan.
Molecular consequence: missense variant.
Genome position (GRCh38, 1-based): chr22:22,646,448, G>T. VCF-style: chr22-22646448-G-T. GRCh37 (hg19) VCF-style: chr22-22988918-G-T.
Other names: c.103G>T, p.Gly35Trp (NM_001282879.2, NM_001391910.1, NM_001391911.1); short protein forms G35W.
Identifiers: ClinVar variation 2652956 (VCV002652956.24), dbSNP rs143241298, ClinGen allele CA10133130.
Genomic context (GRCh38, chr22:22,646,448, plus strand): 5'-TCTGACGACACCACTCACCCGATCTCCTACTACAAGCCCGAGTTCTACACGCCGGTTGAT[G>T]GGGGCACTGCTCACCTGTCTGTCGTCGCAGAGGACGGCAGTGCTGTGTCCGCCACCAGCA-3'
Protein context (NP_954578.2, residues 25-45): YKPEFYTPVD[Gly35Trp]GTAHLSVVAE